The following is an entry in ClinVar:

NM_001394998.1(TANC2):c.2768C>G (p.Ser923Cys)

Genes: TANC2 (tetratricopeptide repeat, ankyrin repeat and coiled-coil containing 2; plus strand), LOC105371856 (uncharacterized LOC105371856; minus strand). Cytogenetic location: 17q23.3.
Variant type: single nucleotide variant.
Coding change: c.2768C>G on transcript NM_001394998.1 (MANE Select); coding-DNA position 2768, C replaced by G.
Protein change: p.Ser923Cys; replaces serine 923 with cysteine.
Molecular consequence: missense variant.
Genome position (GRCh38, 1-based): chr17:63,388,711, C>G. VCF-style: chr17-63388711-C-G. GRCh37 (hg19) VCF-style: chr17-61466072-C-G.
Other names: c.2546C>G, p.Ser849Cys (NM_001411076.1, NM_025185.4); short protein forms S849C, S923C.
Identifiers: ClinVar variation 3375912 (VCV003375912.2).

ClinVar aggregate classification (germline): Uncertain significance (1 of 4 stars; one submission).

Submission:

GeneDx
Classification: Uncertain significance. Last evaluated: 2026-10-09. Review status: criteria provided, single submitter. Criteria: GeneDx Variant Classification Process June 2021. Collection method: clinical testing. Allele origin: germline.
Comment: Not observed at significant frequency in large population cohorts (gnomAD); In silico analysis supports that this missense variant has a deleterious effect on protein structure/function; Has not been previously published as pathogenic or benign to our knowledge